The following is an entry in ClinVar:

NM_015627.3(LDLRAP1):c.330C>G (p.Asn110Lys)

Gene: LDLRAP1 (low density lipoprotein receptor adaptor protein 1; plus strand). Cytogenetic location: 1p36.11.
Variant type: single nucleotide variant.
Coding change: c.330C>G on transcript NM_015627.3 (MANE Select); coding-DNA position 330, C replaced by G.
Protein change: p.Asn110Lys; replaces asparagine 110 with lysine.
Molecular consequence: missense variant.
Genome position (GRCh38, 1-based): chr1:25,554,958, C>G. VCF-style: chr1-25554958-C-G. GRCh37 (hg19) VCF-style: chr1-25881449-C-G.
Other names: short protein forms N110K.
Identifiers: ClinVar variation 4841846 (VCV004841846.1).

ClinVar aggregate classification (germline): Uncertain significance (1 of 4 stars; one submission).

Conditions:
Cardiovascular phenotype. Identifiers: MedGen CN230736.

gnomAD v4.1: 5 of 1,613,844 alleles (0.00031%); highest among the groups gnomAD compares: African/African-American, 0.0013%; no homozygotes.

Submission:

Ambry Genetics
Classification: Uncertain significance for Cardiovascular phenotype. Last evaluated: 2026-01-02. Review status: criteria provided, single submitter. Criteria: Ambry Variant Classification Scheme 2023. Collection method: clinical testing. Allele origin: germline.
Comment: The p.N110K variant (also known as c.330C>G), located in coding exon 3 of the LDLRAP1 gene, results from a C to G substitution at nucleotide position 330. The asparagine at codon 110 is replaced by lysine, an amino acid with similar properties. This amino acid position is conserved. In addition, this alteration is predicted to be tolerated by in silico analysis. Based on the available evidence, the clinical significance of this variant remains unclear.